The following is an entry in ClinVar:

ClinVar aggregate classification (germline): Uncertain significance (1 of 4 stars; one submission).

Conditions:
Familial hemophagocytic lymphohistiocytosis 3 (FHL3). Also called: UNC13D-Related Familial Hemophagocytic Lymphohistiocytosis (UNC13D-fHLH). Identifiers: Orphanet 540, MedGen C1837174, MONDO:0012146, OMIM 608898.

Submission:

Labcorp Genetics (formerly Invitae), Labcorp
Classification: Uncertain significance for Familial hemophagocytic lymphohistiocytosis 3. Last evaluated: 2022-03-13. Review status: criteria provided, single submitter. Criteria: Invitae Variant Classification Sherloc (09022015). Collection method: clinical testing. Allele origin: germline.
Comment: This variant results in a copy number gain of the genomic region encompassing exon(s) 24-32 of the UNC13D gene. This region includes the termination codon of the gene. This copy number gain extends beyond the assayed region for this gene and therefore may encompass additional genes. As the precise location of this event is unknown, it may be in tandem or it may be located elsewhere in the genome. This variant has not been reported in the literature in individuals affected with UNC13D-related conditions. In summary, the available evidence is currently insufficient to determine the role of this variant in disease. Therefore, it has been classified as a Variant of Uncertain Significance.

NC_000017.10:g.(?_73824046)_(73830244_?)dup

Gene: UNC13D (unc-13 homolog D; minus strand). Cytogenetic location: 17q25.1.
Variant type: Duplication.
Identifiers: ClinVar variation 2427666 (VCV002427666.3).